The following is an entry in ClinVar:

ClinVar aggregate classification (germline): Pathogenic. Review status: criteria provided, multiple submitters, no conflicts (2 of 4 stars). 2 submissions from 2 submitters: Pathogenic (2). Last evaluated 2025-01-08.

Conditions:
NALCN-related disorder. Also called: NALCN-related disorders; NALCN-related condition.
Inborn genetic diseases. Identifiers: MedGen C0950123, MeSH D030342.

Allele frequency attached by ClinVar (database versions not stated): gnomAD 0.00001; TOPMed 0.00001.
gnomAD v4.1: 39 of 1,609,636 alleles (0.0024%); highest among the groups gnomAD compares: Non-Finnish European, 0.0031%; no homozygotes.

Submissions (2):

PreventionGenetics, part of Exact Sciences
Classification: Pathogenic for NALCN-related condition. Last evaluated: 2025-01-08. Review status: criteria provided, single submitter. Criteria: ACMG Guidelines, 2015. Collection method: clinical testing. Allele origin: germline.
Comment: The NALCN c.4197+1G>A variant is predicted to disrupt the GT donor site and interfere with normal splicing. This variant in the compound heterozygous condition along with a second variant in this gene has been reported in at least one individual with epileptic encephalopathy with Lennox-Gastaut syndrome, who also carried a de novo variant in ANO3 gene (Table S3, Helbig et al. 2016. PubMed ID: 26795593; Table S5, Farwell et al. 2014. PubMed ID: 25356970). This variant is reported in 0.0026% of alleles in individuals of European (Non-Finnish) descent in gnomAD. Variants that disrupt the consensus splice donor site in NALCN are expected to be pathogenic. This variant is interpreted as pathogenic.

Ambry Genetics
Classification: Pathogenic for Inborn genetic diseases. Last evaluated: 2014-04-17. Review status: criteria provided, single submitter. Criteria: Ambry Autosomal Dominant and X-Linked criteria (10/2015). Collection method: clinical testing. Allele origin: germline. Observed: 1 variant allele.

NM_052867.4(NALCN):c.4197+1G>A

Gene: NALCN (sodium leak channel, non-selective; minus strand). Cytogenetic location: 13q32.3.
Variant type: single nucleotide variant.
Coding change: c.4197+1G>A on transcript NM_052867.4 (MANE Select); the canonical splice donor site of the intron after coding-DNA position 4197, G replaced by A.
Molecular consequence: splice donor variant.
Genome position (GRCh38, 1-based): chr13:101,073,583, C>T on the plus strand (G>A on the coding strand, the complement: NALCN is on the minus strand). VCF-style: chr13-101073583-C-T. GRCh37 (hg19) VCF-style: chr13-101725935-C-T.
Other names: c.4110+1G>A (NM_001350751.2, NM_001350750.2); c.4197+1G>A (NM_001350749.2); c.4284+1G>A (NM_001350748.2).
Identifiers: ClinVar variation 225072 (VCV000225072.5), dbSNP rs869312952, ClinGen allele CA358195.